The following is an entry in ClinVar:

ClinVar aggregate classification (germline): Uncertain significance (1 of 4 stars; one submission).

Conditions:
Nemaline myopathy 2 (NEM2). Also called: Nemaline myopathy 2, autosomal recessive. Identifiers: MedGen C1850569, MONDO:0009725, OMIM 256030.

Submission:

Labcorp Genetics (formerly Invitae), Labcorp
Classification: Uncertain significance for Nemaline myopathy 2. Last evaluated: 2023-05-17. Review status: criteria provided, single submitter. Criteria: Invitae Variant Classification Sherloc (09022015). Collection method: clinical testing. Allele origin: germline.
Comment: In summary, the available evidence is currently insufficient to determine the role of this variant in disease. Therefore, it has been classified as a Variant of Uncertain Significance. Experimental studies and prediction algorithms are not available or were not evaluated, and the functional significance of this variant is currently unknown. This variant has not been reported in the literature in individuals affected with NEB-related conditions. This variant is not present in population databases (gnomAD no frequency). This sequence change replaces alanine, which is neutral and non-polar, with proline, which is neutral and non-polar, at codon 1996 of the NEB protein (p.Ala1996Pro).

NM_001164508.2(NEB):c.5986G>C (p.Ala1996Pro)

Gene: NEB (nebulin; minus strand). Cytogenetic location: 2q23.3.
Variant type: single nucleotide variant.
Coding change: c.5986G>C on transcript NM_001164508.2 (MANE Select); coding-DNA position 5986, G replaced by C.
Protein change: p.Ala1996Pro; replaces alanine 1996 with proline.
Molecular consequence: missense variant.
Genome position (GRCh38, 1-based): chr2:151,659,154, C>G on the plus strand (G>C on the coding strand, the complement: NEB is on the minus strand). VCF-style: chr2-151659154-C-G. GRCh37 (hg19) VCF-style: chr2-152515668-C-G.
Other names: c.5986G>C, p.Ala1996Pro (NM_001164507.2, NM_001271208.2, NM_004543.5); short protein forms A1996P.
Identifiers: ClinVar variation 2788726 (VCV002788726.3), dbSNP rs2552254264, ClinGen allele CA348803446.